The following is an entry in ClinVar:

ClinVar aggregate classification (germline): Uncertain significance (1 of 4 stars; one submission).

Conditions:
Inborn genetic diseases. Identifiers: MedGen C0950123, MeSH D030342.

Submission:

Ambry Genetics
Classification: Uncertain significance for Inborn genetic diseases. Last evaluated: 2024-11-26. Review status: criteria provided, single submitter. Criteria: Ambry Variant Classification Scheme 2023. Collection method: clinical testing. Allele origin: germline.
Comment: The p.I854L variant (also known as c.2560A>T), located in coding exon 1 of the SAMD9 gene, results from an A to T substitution at nucleotide position 2560. The isoleucine at codon 854 is replaced by leucine, an amino acid with highly similar properties. This amino acid position is conserved. In addition, this alteration is predicted to be tolerated by in silico analysis. Based on the available evidence, the clinical significance of this variant remains unclear.

NM_017654.4(SAMD9):c.2560A>T (p.Ile854Leu)

Gene: SAMD9 (sterile alpha motif domain containing 9; minus strand). Cytogenetic location: 7q21.2.
Variant type: single nucleotide variant.
Coding change: c.2560A>T on transcript NM_017654.4 (MANE Select); coding-DNA position 2560, A replaced by T.
Protein change: p.Ile854Leu; replaces isoleucine 854 with leucine.
Molecular consequence: missense variant.
Genome position (GRCh38, 1-based): chr7:93,103,538, T>A on the plus strand (A>T on the coding strand, the complement: SAMD9 is on the minus strand). VCF-style: chr7-93103538-T-A. GRCh37 (hg19) VCF-style: chr7-92732851-T-A.
Other names: c.2560A>T, p.Ile854Leu (NM_001193307.2); short protein forms I854L.
Identifiers: ClinVar variation 3437047 (VCV003437047.1).